The following is an entry in ClinVar:

ClinVar aggregate classification (germline): Conflicting classifications of pathogenicity. Review status: criteria provided, conflicting classifications (1 of 4 stars). 2 submissions from 2 submitters: Uncertain significance (1); Likely benign (1). Last evaluated 2023-06-16.

Conditions:
Inborn genetic diseases. Identifiers: MedGen C0950123, MeSH D030342.

Allele frequency attached by ClinVar (database versions not stated): ExAC 0.00001; TOPMed 0.00001; gnomAD exomes 0.00006; ESP Exome Variant Server 0.00017.
gnomAD v4.1: 88 of 1,614,038 alleles (0.0055%); highest among the groups gnomAD compares: Non-Finnish European, 0.0073%; no homozygotes.

Submissions (2):

Ambry Genetics
Classification: Likely benign for Inborn genetic diseases. Last evaluated: 2023-06-16. Review status: criteria provided, single submitter. Criteria: Ambry Variant Classification Scheme 2023. Collection method: clinical testing. Allele origin: germline.

Labcorp Genetics (formerly Invitae), Labcorp
Classification: Uncertain significance. Last evaluated: 2022-08-27. Review status: criteria provided, single submitter. Criteria: Invitae Variant Classification Sherloc (09022015). Collection method: clinical testing. Allele origin: germline.
Comment: This sequence change replaces glutamic acid, which is acidic and polar, with glycine, which is neutral and non-polar, at codon 502 of the ASXL2 protein (p.Glu502Gly). This variant is present in population databases (rs374740875, gnomAD 0.004%). This variant has not been reported in the literature in individuals affected with ASXL2-related conditions. Algorithms developed to predict the effect of missense changes on protein structure and function output the following: SIFT: "Tolerated"; PolyPhen-2: "Not Available"; Align-GVGD: "Class C0". The glycine amino acid residue is found in multiple mammalian species, which suggests that this missense change does not adversely affect protein function. In summary, the available evidence is currently insufficient to determine the role of this variant in disease. Therefore, it has been classified as a Variant of Uncertain Significance.

NM_018263.6(ASXL2):c.1505A>G (p.Glu502Gly)

Gene: ASXL2 (ASXL transcriptional regulator 2; minus strand). Cytogenetic location: 2p23.3.
Variant type: single nucleotide variant.
Coding change: c.1505A>G on transcript NM_018263.6 (MANE Select); coding-DNA position 1505, A replaced by G.
Protein change: p.Glu502Gly; replaces glutamic acid 502 with glycine.
Molecular consequence: missense variant.
Genome position (GRCh38, 1-based): chr2:25,750,051, T>C on the plus strand (A>G on the coding strand, the complement: ASXL2 is on the minus strand). VCF-style: chr2-25750051-T-C. GRCh37 (hg19) VCF-style: chr2-25972920-T-C.
Other names: c.1331A>G, p.Glu444Gly (NM_001369346.1); c.725A>G, p.Glu242Gly (NM_001369347.1); c.1505A>G (NM_018263.4); short protein forms E242G, E502G, E444G.
Identifiers: ClinVar variation 2162640 (VCV002162640.6), dbSNP rs374740875, ClinGen allele CA1557805.